The following is an entry in ClinVar:

ClinVar aggregate classification (germline): Uncertain significance (1 of 4 stars; one submission).

Conditions:
Symmetrical dyschromatosis of extremities (DSH). Also called: RETICULATE ACROPIGMENTATION OF DOHI; SYMMETRIC DYSCHROMATOSIS OF THE EXTREMITIES; Dyschromatosis symmetrica hereditaria; DYSCHROMATOSIS SYMMETRICA HEREDITARIA 1. Identifiers: Orphanet 41, MedGen C0406775, MONDO:0007483, OMIM 127400.
Aicardi-Goutieres syndrome 6 (AGS6). Identifiers: Orphanet 51, MedGen C3539013, MONDO:0014007, OMIM 615010.

Allele frequency attached by ClinVar (database versions not stated): gnomAD exomes 0.00001; TOPMed 0.00001.
gnomAD v4.1: 17 of 1,614,178 alleles (0.0011%); highest among the groups gnomAD compares: Admixed American, 0.0017%; no homozygotes.

Submission:

Labcorp Genetics (formerly Invitae), Labcorp
Classification: Uncertain significance for Aicardi-Goutieres syndrome 6; Symmetrical dyschromatosis of extremities. Last evaluated: 2025-11-25. Review status: criteria provided, single submitter. Criteria: Invitae Variant Classification Sherloc (09022015). Collection method: clinical testing. Allele origin: germline.
Comment: This sequence change replaces histidine, which is basic and polar, with proline, which is neutral and non-polar, at codon 15 of the ADAR protein (p.His15Pro). This variant is not present in population databases (gnomAD no frequency). This variant has not been reported in the literature in individuals affected with ADAR-related conditions. ClinVar contains an entry for this variant (Variation ID: 1407221). An algorithm developed to predict the effect of missense changes on protein structure and function outputs the following: PolyPhen-2: "Benign". The proline amino acid residue is found in multiple mammalian species, which suggests that this missense change does not adversely affect protein function. In summary, the available evidence is currently insufficient to determine the role of this variant in disease. Therefore, it has been classified as a Variant of Uncertain Significance.

NM_001111.5(ADAR):c.44A>C (p.His15Pro)

Gene: ADAR (adenosine deaminase RNA specific; minus strand). Cytogenetic location: 1q21.3.
Variant type: single nucleotide variant.
Coding change: c.44A>C on transcript NM_001111.5 (MANE Select); coding-DNA position 44, A replaced by C.
Protein change: p.His15Pro; replaces histidine 15 with proline.
Molecular consequence: missense variant. On other transcripts: 5 prime UTR variant (6).
Genome position (GRCh38, 1-based): chr1:154,602,598, T>G on the plus strand (A>C on the coding strand, the complement: ADAR is on the minus strand). VCF-style: chr1-154602598-T-G. GRCh37 (hg19) VCF-style: chr1-154575074-T-G.
Other names: c.-842A>C (NM_001025107.3, NM_001193495.2, NM_001365048.1); c.71A>C, p.His24Pro (NM_001365045.1); c.-706A>C (NM_001365046.1, NM_001365047.1, NM_001365049.1); c.44A>C, p.His15Pro (NM_015840.4, NM_015841.4); short protein forms H24P, H15P.
Identifiers: ClinVar variation 1407221 (VCV001407221.6), dbSNP rs1697961105, ClinGen allele CA342607546.